The following is an entry in ClinVar:

ClinVar aggregate classification (germline): Conflicting classifications of pathogenicity. Review status: criteria provided, conflicting classifications (1 of 4 stars). 9 submissions from 8 submitters: Uncertain significance (7); Benign (1); Likely benign (1). Last evaluated 2025-12-01.

Conditions:
Autosomal recessive ataxia, Beauce type. Also called: ATAXIA, RECESSIVE, OF BEAUCE; Spinocerebellar ataxia, autosomal recessive 8; SYNE1-Related Autosomal Recessive Cerebellar Ataxia; SYNE1 Deficiency. Identifiers: Orphanet 88644, MedGen C1853116, MONDO:0012549, OMIM 610743.
Emery-Dreifuss muscular dystrophy 4, autosomal dominant (EDMD4). Also called: EMERY-DREIFUSS MUSCULAR DYSTROPHY 4 WITH VARIABLE FEATURES. Identifiers: Orphanet 261, MedGen C2751807, MONDO:0013071, OMIM 612998.
Arthrogryposis multiplex congenita 3, myogenic type. Also called: ARTHROGRYPOSIS MULTIPLEX CONGENITA, MYOGENIC TYPE. Identifiers: MedGen C5193121, MONDO:0032778, OMIM 618484.

Allele frequency attached by ClinVar (database versions not stated): TOPMed 0.00029; gnomAD 0.00034; gnomAD exomes 0.00042 and 0.00047; ESP Exome Variant Server 0.00046; ExAC 0.00047.
gnomAD v4.1: 740 of 1,614,096 alleles (0.046%); highest among the groups gnomAD compares: Non-Finnish European, 0.058%; no homozygotes.

Submissions (9):

CeGaT Center for Human Genetics Tuebingen
Classification: Uncertain significance. Last evaluated: 2025-12-01. Review status: criteria provided, single submitter. Criteria: CeGaT Center For Human Genetics Tuebingen Variant Classification Criteria Version 2. Collection method: clinical testing. Allele origin: germline. Affected: yes. Observed: 6 variant alleles.
Comment: SYNE1: PM2, BP1, BP4

Athena Diagnostics
Classification: Likely benign. Last evaluated: 2024-12-23. Review status: criteria provided, single submitter. Criteria: Athena Diagnostics Criteria. Collection method: clinical testing. Allele origin: unknown.
Comment: The frequency of this variant in the general population is higher than would generally be expected for pathogenic variants in this gene.

Mayo Clinic Laboratories, Mayo Clinic
Classification: Uncertain significance. Last evaluated: 2024-11-25. Review status: criteria provided, single submitter. Criteria: ACMG Guidelines, 2015. Collection method: clinical testing. Allele origin: germline. Observed: 1 variant allele.
Comment: BP4

Blueprint Genetics
Classification: Uncertain significance. Last evaluated: 2024-11-05. Review status: criteria provided, single submitter. Criteria: ACMG Guidelines, 2015. Collection method: clinical testing. Allele origin: germline.

Labcorp Genetics (formerly Invitae), Labcorp
Classification: Uncertain significance for Emery-Dreifuss muscular dystrophy 4, autosomal dominant; Autosomal recessive ataxia, Beauce type. Last evaluated: 2022-10-28. Review status: criteria provided, single submitter. Criteria: Invitae Variant Classification Sherloc (09022015). Collection method: clinical testing. Allele origin: germline.
Comment: This sequence change replaces threonine, which is neutral and polar, with alanine, which is neutral and non-polar, at codon 3725 of the SYNE1 protein (p.Thr3725Ala). This variant is present in population databases (rs144797744, gnomAD 0.08%). This variant has not been reported in the literature in individuals affected with SYNE1-related conditions. ClinVar contains an entry for this variant (Variation ID: 282114). Algorithms developed to predict the effect of missense changes on protein structure and function (SIFT, PolyPhen-2, Align-GVGD) all suggest that this variant is likely to be tolerated. In summary, the available evidence is currently insufficient to determine the role of this variant in disease. Therefore, it has been classified as a Variant of Uncertain Significance.

Eurofins Ntd Llc (ga)
Classification: Uncertain significance. Last evaluated: 2018-05-17. Review status: criteria provided, single submitter. Criteria: EGL ClinVar v180209 classification definitions. Collection method: clinical testing. Allele origin: germline. Observed: 6 variant alleles, 6 heterozygotes.

Illumina Laboratory Services, Illumina
Classification: Uncertain significance for Autosomal recessive ataxia, Beauce type. Last evaluated: 2018-01-13. Review status: criteria provided, single submitter. Criteria: ICSL Variant Classification Criteria 13 December 2019. Collection method: clinical testing. Allele origin: germline.

Illumina Laboratory Services, Illumina
Classification: Benign for Emery-Dreifuss muscular dystrophy 4, autosomal dominant. Last evaluated: 2018-01-13. Review status: criteria provided, single submitter. Criteria: ICSL Variant Classification Criteria 13 December 2019. Collection method: clinical testing. Allele origin: germline.
Comment: This variant was observed in the ICSL laboratory as part of a predisposition screen in an ostensibly healthy population. It had not been previously curated by ICSL or reported in the Human Gene Mutation Database (HGMD: prior to June 1st, 2018), and was therefore a candidate for classification through an automated scoring system. Utilizing variant allele frequency, disease prevalence and penetrance estimates, and inheritance mode, an automated score was calculated to assess if this variant is too frequent to cause the disease. Based on the score and internal cut-off values, a variant classified as benign is not then subjected to further curation. The score for this variant resulted in a classification of benign for this disease.

GeneDx
Classification: Uncertain significance. Last evaluated: 2017-10-17. Review status: criteria provided, single submitter. Criteria: GeneDx Variant Classification (06012015). Collection method: clinical testing. Allele origin: germline. Affected: yes.
Comment: A variant of uncertain significance has been identified in the SYNE1 gene. The T3725A variant has not been published as a pathogenic variant, nor has it been reported as a benign variant to our knowledge. The T3725A variant is observed in 105/126716 (0.08%) alleles from individuals of European background, in large population cohorts (Lek et al., 2016)]. The T3725A variant is a non-conservative amino acid substitution, which is likely to impact secondary protein structure as these residues differ in polarity, charge, size and/or other properties. However, this substitution occurs at a position that is not conserved, and in silico analysis predicts this variant is probably damaging to the protein structure/function. Therefore, based on the currently available information, it is unclear whether this variant is a pathogenic variant or a rare benign variant.

Literature cited by the submitters: PubMed 29882329 (cited by Athena Diagnostics); PubMed 29970176 (cited by Athena Diagnostics).

NM_182961.4(SYNE1):c.11218A>G (p.Thr3740Ala)

Gene: SYNE1 (spectrin repeat containing nuclear envelope protein 1; minus strand). Cytogenetic location: 6q25.2.
Variant type: single nucleotide variant.
Coding change: c.11218A>G on transcript NM_182961.4 (MANE Select); coding-DNA position 11218, A replaced by G.
Protein change: p.Thr3740Ala; replaces threonine 3740 with alanine.
Molecular consequence: missense variant.
Genome position (GRCh38, 1-based): chr6:152,353,298, T>C on the plus strand (A>G on the coding strand, the complement: SYNE1 is on the minus strand). VCF-style: chr6-152353298-T-C. GRCh37 (hg19) VCF-style: chr6-152674433-T-C.
Other names: p.Thr3725Ala; c.11173A>G, p.Thr3725Ala (NM_033071.5); short protein forms T3725A, T3740A.
Identifiers: ClinVar variation 282114 (VCV000282114.62), dbSNP rs144797744, ClinGen allele CA4056751.